The following is an entry in ClinVar:

NM_003327.4(TNFRSF4):c.553A>G (p.Arg185Gly)

Gene: TNFRSF4 (TNF receptor superfamily member 4; minus strand). Cytogenetic location: 1p36.33.
Variant type: single nucleotide variant.
Coding change: c.553A>G on transcript NM_003327.4 (MANE Select); coding-DNA position 553, A replaced by G.
Protein change: p.Arg185Gly; replaces arginine 185 with glycine.
Molecular consequence: missense variant.
Genome position (GRCh38, 1-based): chr1:1,212,023, T>C on the plus strand (A>G on the coding strand, the complement: TNFRSF4 is on the minus strand). VCF-style: chr1-1212023-T-C. GRCh37 (hg19) VCF-style: chr1-1147403-T-C.
Other names: c.553A>G (NM_003327.3); short protein forms R185G.
Identifiers: ClinVar variation 1402608 (VCV001402608.9), dbSNP rs148695736, ClinGen allele CA512418.

ClinVar aggregate classification (germline): Uncertain significance. Review status: criteria provided, multiple submitters, no conflicts (2 of 4 stars). 2 submissions from 2 submitters: Uncertain significance (2). Last evaluated 2025-11-13.

Conditions:
Combined immunodeficiency due to OX40 deficiency. Also called: Immunodeficiency 16; OX40 DEFICIENCY. Identifiers: Orphanet 431149, MedGen C3810053, MONDO:0014268, OMIM 615593.

Allele frequency attached by ClinVar (database versions not stated): ExAC 0.00004; gnomAD exomes 0.00005; ESP Exome Variant Server 0.00016; gnomAD 0.00017 and 0.00018; 1000 Genomes Project 0.00020; TOPMed 0.00022; 1000 Genomes Project 30x 0.00031.

Submissions (2):

Ambry Genetics
Classification: Uncertain significance. Last evaluated: 2025-11-13. Review status: criteria provided, single submitter. Criteria: Ambry Variant Classification Scheme 2023. Collection method: clinical testing. Allele origin: germline.

Labcorp Genetics (formerly Invitae), Labcorp
Classification: Uncertain significance for Combined immunodeficiency due to OX40 deficiency. Last evaluated: 2025-10-20. Review status: criteria provided, single submitter. Criteria: Invitae Variant Classification Sherloc (09022015). Collection method: clinical testing. Allele origin: germline.
Comment: This sequence change replaces arginine, which is basic and polar, with glycine, which is neutral and non-polar, at codon 185 of the TNFRSF4 protein (p.Arg185Gly). This variant is present in population databases (rs148695736, gnomAD 0.08%), and has an allele count higher than expected for a pathogenic variant. This variant has not been reported in the literature in individuals affected with TNFRSF4-related conditions. ClinVar contains an entry for this variant (Variation ID: 1402608). An algorithm developed to predict the effect of missense changes on protein structure and function (PolyPhen-2) suggests that this variant is likely to be tolerated. In summary, the available evidence is currently insufficient to determine the role of this variant in disease. Therefore, it has been classified as a Variant of Uncertain Significance.